The following is an entry in ClinVar:

NM_001379500.1(COL18A1):c.2899C>T (p.Pro967Ser)

Genes: COL18A1 (collagen type XVIII alpha 1 chain; plus strand), SLC19A1 (solute carrier family 19 member 1; minus strand). Cytogenetic location: 21q22.3.
Variant type: single nucleotide variant.
Coding change: c.2899C>T on transcript NM_001379500.1 (MANE Select); coding-DNA position 2899, C replaced by T.
Protein change: p.Pro967Ser; replaces proline 967 with serine.
Molecular consequence: missense variant.
Genome position (GRCh38, 1-based): chr21:45,505,164, C>T. VCF-style: chr21-45505164-C-T. GRCh37 (hg19) VCF-style: chr21-46925078-C-T.
Other names: c.3430C>T, p.Pro1144Ser (NM_030582.4); c.4135C>T, p.Pro1379Ser (NM_130444.3); short protein forms P1144S, P1379S, P967S.
Identifiers: ClinVar variation 340261 (VCV000340261.8), dbSNP rs761528498, ClinGen allele CA10067545.

ClinVar aggregate classification (germline): Conflicting classifications of pathogenicity. Review status: criteria provided, conflicting classifications (1 of 4 stars). 2 submissions from 2 submitters: Uncertain significance (1); Likely benign (1). Last evaluated 2025-06-29.

Conditions:
Inborn genetic diseases. Identifiers: MedGen C0950123, MeSH D030342.

Allele frequency attached by ClinVar (database versions not stated): gnomAD below 0.00001 and 0.00001; gnomAD exomes below 0.00001 and 0.00001; ExAC 0.00002.
gnomAD v4.1: 8 of 1,607,426 alleles (0.0005%); highest among the groups gnomAD compares: South Asian, 0.0077%; no homozygotes.

Submissions (2):

Labcorp Genetics (formerly Invitae), Labcorp
Classification: Uncertain significance. Last evaluated: 2025-06-29. Review status: criteria provided, single submitter. Criteria: Invitae Variant Classification Sherloc (09022015). Collection method: clinical testing. Allele origin: germline.
Comment: This sequence change replaces proline, which is neutral and non-polar, with serine, which is neutral and polar, at codon 964 of the COL18A1 protein (p.Pro964Ser). The frequency data for this variant in the population databases is considered unreliable, as metrics indicate poor data quality at this position in the gnomAD database. This variant has not been reported in the literature in individuals affected with COL18A1-related conditions. ClinVar contains an entry for this variant (Variation ID: 340261). Experimental studies and prediction algorithms are not available or were not evaluated, and the functional significance of this variant is currently unknown. In summary, the available evidence is currently insufficient to determine the role of this variant in disease. Therefore, it has been classified as a Variant of Uncertain Significance.

Ambry Genetics
Classification: Likely benign for Inborn genetic diseases. Last evaluated: 2021-10-12. Review status: criteria provided, single submitter. Criteria: Ambry Variant Classification Scheme 2023. Collection method: clinical testing. Allele origin: germline.